The following is an entry in ClinVar:

ClinVar aggregate classification (germline): Uncertain significance (1 of 4 stars; one submission).

Submission:

Labcorp Genetics (formerly Invitae), Labcorp
Classification: Uncertain significance. Last evaluated: 2022-05-27. Review status: criteria provided, single submitter. Criteria: Invitae Variant Classification Sherloc (09022015). Collection method: clinical testing. Allele origin: germline.
Comment: In summary, the available evidence is currently insufficient to determine the role of this variant in disease. Therefore, it has been classified as a Variant of Uncertain Significance. Variants that disrupt the consensus splice site are a relatively common cause of aberrant splicing (PMID: 17576681, 9536098). Algorithms developed to predict the effect of sequence changes on RNA splicing suggest that this variant is not likely to affect RNA splicing. This sequence change falls in intron 24 of the OPA1 gene. It does not directly change the encoded amino acid sequence of the OPA1 protein. It affects a nucleotide within the consensus splice site. This variant is not present in population databases (gnomAD no frequency). This variant has not been reported in the literature in individuals affected with OPA1-related conditions.

Literature cited by the submitters: PubMed 17576681; PubMed 9536098.

NM_130837.3(OPA1):c.2661+6A>G

Gene: OPA1 (OPA1 mitochondrial dynamin like GTPase; plus strand). Cytogenetic location: 3q29.
Variant type: single nucleotide variant.
Coding change: c.2661+6A>G on transcript NM_130837.3 (MANE Select); 6 bases into the intron after coding-DNA position 2661, A replaced by G.
Molecular consequence: intron variant.
Genome position (GRCh38, 1-based): chr3:193,662,968, A>G. VCF-style: chr3-193662968-A-G. GRCh37 (hg19) VCF-style: chr3-193380757-A-G.
Other names: c.2124+6A>G (NM_001354664.2); c.2127+6A>G (NM_001354663.2); c.2550+6A>G (NM_130834.3); c.2607+6A>G (NM_130836.3); c.2496+6A>G (NM_015560.3); c.2553+6A>G (NM_130835.3); c.2442+6A>G (NM_130832.3); c.2499+6A>G (NM_130833.3); and 1 more.
Identifiers: ClinVar variation 1369571 (VCV001369571.6), dbSNP rs2109232299, ClinGen allele CA2573136888.